The following is an entry in ClinVar:

ClinVar aggregate classification (germline): Benign (1 of 4 stars; one submission).

Conditions:
Familial adenomatous polyposis 1 (FAP1). Also called: POLYPOSIS, ADENOMATOUS INTESTINAL; FAMILIAL ADENOMATOUS POLYPOSIS 1, ATTENUATED. Identifiers: MedGen C2713442, MONDO:0021056, OMIM 175100. Disease mechanism: loss of function.

Allele frequency attached by ClinVar (database versions not stated): gnomAD 0.00001; 1000 Genomes Project 30x 0.00016.
gnomAD v4.1: 1 of 1,614,086 alleles (0.000062%); highest among the groups gnomAD compares: African/African-American, 0.0013%; no homozygotes.

Submission:

Myriad Genetics, Inc.
Classification: Benign for Familial adenomatous polyposis 1. Last evaluated: 2024-03-27. Review status: criteria provided, single submitter. Criteria: Myriad Autosomal Dominant, Autosomal Recessive and X-Linked Classification Criteria (2023). Collection method: clinical testing. Allele origin: unknown.
Comment: This variant is considered benign. This variant is a silent/synonymous amino acid change and it is not expected to impact splicing.

NM_000038.6(APC):c.4557T>C (p.Asp1519=)

Gene: APC (APC regulator of Wnt signaling pathway; plus strand). Cytogenetic location: 5q22.2.
Variant type: single nucleotide variant.
Coding change: c.4557T>C on transcript NM_000038.6 (MANE Select); coding-DNA position 4557, T replaced by C.
Protein change: p.Asp1519=; no amino-acid change (aspartic acid 1519 retained).
Molecular consequence: synonymous variant. On other transcripts: non-coding transcript variant (2).
Genome position (GRCh38, 1-based): chr5:112,840,151, T>C. VCF-style: chr5-112840151-T-C. GRCh37 (hg19) VCF-style: chr5-112175848-T-C.
Other names: c.4254T>C, p.Asp1418= (NM_001407458.1, NM_001407459.1, NM_001407460.1 and 1 more transcripts); c.3405T>C, p.Asp1135= (NM_001407471.1, NM_001407472.1); c.4170T>C, p.Asp1390= (NM_001407467.1, NM_001407469.1); c.3708T>C, p.Asp1236= (NM_001407470.1, NM_001354906.2); c.4557T>C, p.Asp1519= (NM_001127510.3, NM_001354895.2, NM_001407450.1); c.4503T>C, p.Asp1501= (NM_001127511.3); c.4611T>C, p.Asp1537= (NM_001354896.2, NM_001407447.1, NM_001407448.1 and 1 more transcripts); c.4587T>C, p.Asp1529= (NM_001354897.2); and 11 more.
Identifiers: ClinVar variation 3148000 (VCV003148000.1), dbSNP rs2149917506, ClinGen allele CA446206584.